The following is an entry in ClinVar:

ClinVar aggregate classification (germline): Uncertain significance (1 of 4 stars; one submission).

Conditions:
Progressive familial heart block type IB (PFHB1B). Identifiers: Orphanet 871, MedGen C1970298, MONDO:0011474, OMIM 604559.

gnomAD v4.1: 2 of 1,613,872 alleles (0.00012%); highest among the groups gnomAD compares: African/African-American, 0.0013%; no homozygotes.

Submission:

Labcorp Genetics (formerly Invitae), Labcorp
Classification: Uncertain significance for Progressive familial heart block type IB. Last evaluated: 2025-10-27. Review status: criteria provided, single submitter. Criteria: Invitae Variant Classification Sherloc (09022015). Collection method: clinical testing. Allele origin: germline.
Comment: This sequence change affects codon 1155 of the TRPM4 mRNA. It is a 'silent' change, meaning that it does not change the encoded amino acid sequence of the TRPM4 protein. This variant is not present in population databases (gnomAD no frequency). This variant has not been reported in the literature in individuals affected with TRPM4-related conditions. Algorithms developed to predict the effect of sequence changes on RNA splicing suggest that this variant may create or strengthen a splice site. In summary, the available evidence is currently insufficient to determine the role of this variant in disease. Therefore, it has been classified as a Variant of Uncertain Significance.

NM_017636.4(TRPM4):c.3465G>A (p.Val1155=)

Gene: TRPM4 (transient receptor potential cation channel subfamily M member 4; plus strand). Cytogenetic location: 19q13.33.
Variant type: single nucleotide variant.
Coding change: c.3465G>A on transcript NM_017636.4 (MANE Select); coding-DNA position 3465, G replaced by A.
Protein change: p.Val1155=; no amino-acid change (valine 1155 retained).
Molecular consequence: synonymous variant.
Genome position (GRCh38, 1-based): chr19:49,211,018, G>A. VCF-style: chr19-49211018-G-A. GRCh37 (hg19) VCF-style: chr19-49714275-G-A.
Other names: c.3030G>A, p.Val1010= (NM_001195227.2); c.3120G>A, p.Val1040= (NM_001321281.2); c.1857G>A, p.Val619= (NM_001321282.2); c.2943G>A, p.Val981= (NM_001321283.2); c.2403G>A, p.Val801= (NM_001321285.2).
Identifiers: ClinVar variation 4764104 (VCV004764104.1).